The following is an entry in ClinVar:

NM_019032.6(ADAMTSL4):c.2120C>T (p.Ala707Val)

Genes: ADAMTSL4 (ADAMTS like 4; plus strand), ADAMTSL4-AS2 (ADAMTSL4 antisense RNA 2; minus strand). Cytogenetic location: 1q21.2.
Variant type: single nucleotide variant.
Coding change: c.2120C>T on transcript NM_019032.6 (MANE Select); coding-DNA position 2120, C replaced by T.
Protein change: p.Ala707Val; replaces alanine 707 with valine.
Molecular consequence: missense variant.
Genome position (GRCh38, 1-based): chr1:150,557,566, C>T. VCF-style: chr1-150557566-C-T. GRCh37 (hg19) VCF-style: chr1-150530042-C-T.
Other names: c.2003C>T, p.Ala668Val (NM_001288607.2); c.2189C>T, p.Ala730Val (NM_001288608.2); c.2120C>T, p.Ala707Val (NM_001378596.1, NM_025008.5); short protein forms A668V, A707V, A730V.
Identifiers: ClinVar variation 874416 (VCV000874416.13), dbSNP rs200834788, ClinGen allele CA1078540.

ClinVar aggregate classification (germline): Conflicting classifications of pathogenicity. Review status: criteria provided, conflicting classifications (1 of 4 stars). 4 submissions from 4 submitters: Uncertain significance (2); Likely benign (2). Last evaluated 2026-01-31.

Conditions:
Inborn genetic diseases. Identifiers: MedGen C0950123, MeSH D030342.
Ectopia lentis 2, isolated, autosomal recessive (ECTOL2). Identifiers: Orphanet 1885, MedGen C3541474, MONDO:0009152, OMIM 225100.

Allele frequency attached by ClinVar (database versions not stated): ESP Exome Variant Server 0.00008; gnomAD 0.00016 and 0.00023; TOPMed 0.00020; gnomAD exomes 0.00022 and 0.00036; ExAC 0.00055; 1000 Genomes Project 0.00100; 1000 Genomes Project 30x 0.00109.
gnomAD v4.1: 367 of 1,606,556 alleles (0.023%); highest among the groups gnomAD compares: South Asian, 0.19%; 2 homozygotes.

Submissions (4):

Labcorp Genetics (formerly Invitae), Labcorp
Classification: Likely benign. Last evaluated: 2026-01-31. Review status: criteria provided, single submitter. Criteria: Invitae Variant Classification Sherloc (09022015). Collection method: clinical testing. Allele origin: germline.

Ambry Genetics
Classification: Likely benign for Inborn genetic diseases. Last evaluated: 2023-12-16. Review status: criteria provided, single submitter. Criteria: Ambry Variant Classification Scheme 2023. Collection method: clinical testing. Allele origin: germline.

GeneDx
Classification: Uncertain significance. Last evaluated: 2019-12-19. Review status: criteria provided, single submitter. Criteria: GeneDx Variant Classification Process June 2021. Collection method: clinical testing. Allele origin: germline. Affected: yes.
Comment: Has not been previously published as pathogenic or benign to our knowledge; In silico analysis, which includes protein predictors and evolutionary conservation, supports that this variant does not alter protein structure/function

Illumina Laboratory Services, Illumina
Classification: Uncertain significance for Ectopia lentis 2, isolated, autosomal recessive. Last evaluated: 2018-01-13. Review status: criteria provided, single submitter. Criteria: ICSL Variant Classification Criteria 13 December 2019. Collection method: clinical testing. Allele origin: germline.